The following is an entry in ClinVar:

ClinVar aggregate classification (germline): Benign. Review status: criteria provided, multiple submitters, no conflicts (2 of 4 stars). 6 submissions from 6 submitters: Benign (4). 2 of the submissions do not count toward it. Last evaluated 2026-04-16.

Conditions:
Ehlers-Danlos syndrome, classic type, 1 (EDSCL1). Also called: Ehlers-Danlos syndrome, type 1; EHLERS-DANLOS SYNDROME, GRAVIS TYPE; EHLERS-DANLOS SYNDROME, SEVERE CLASSIC TYPE; EDS I; Ehlers-Danlos Syndrome, Classic Type, COL5A1-Related. Identifiers: MedGen C0268335, MONDO:0019567, OMIM 130000.

Submissions (6):

Women's Health and Genetics/Laboratory Corporation of America, LabCorp
Classification: Benign. Last evaluated: 2026-04-16. Review status: criteria provided, single submitter. Criteria: LabCorp Variant Classification Summary - May 2015. Collection method: clinical testing. Allele origin: germline.
Comment: Variant summary: COL5A2 c.2086-13_2086-12delAA alters a non-conserved nucleotide located at a position not widely known to affect splicing. Consensus agreement among computation tools predict no significant impact on normal splicing. However, these predictions have yet to be confirmed by functional studies. The variant allele was found at a frequency of 0.034 in 1055026 control chromosomes, predominantly at a frequency of 0.038 within the Non-Finnish European subpopulation in the gnomAD database. The observed variant frequency within Non-Finnish European control individuals in the gnomAD database exceeds the estimated maximal expected allele frequency for disease-causing variants in COL5A2. To our knowledge, no occurrence of c.2086-13_2086-12delAA in individuals affected with COL5A2-related conditions and no experimental evidence demonstrating its impact on protein function have been reported. ClinVar contains an entry for this variant (Variation ID: 517024). Based on the evidence outlined above, the variant was classified as benign.

Labcorp Genetics (formerly Invitae), Labcorp
Classification: Benign for Ehlers-Danlos syndrome, classic type, 1. Last evaluated: 2026-01-11. Review status: criteria provided, single submitter. Criteria: Invitae Variant Classification Sherloc (09022015). Collection method: clinical testing. Allele origin: germline.

Blueprint Genetics
Classification: Benign. Last evaluated: 2024-10-28. Review status: criteria provided, single submitter. Criteria: ACMG Guidelines, 2015. Collection method: clinical testing. Allele origin: germline.

GeneDx
Classification: Benign. Last evaluated: 2018-02-16. Review status: criteria provided, single submitter. Criteria: GeneDx Variant Classification (06012015). Collection method: clinical testing. Allele origin: germline. Affected: yes.
Comment: This variant is considered likely benign or benign based on one or more of the following criteria: it is a conservative change, it occurs at a poorly conserved position in the protein, it is predicted to be benign by multiple in silico algorithms, and/or has population frequency not consistent with disease.

Genome Diagnostics Laboratory, Amsterdam University Medical Center
Classification: Benign. Review status: no assertion criteria provided. Collection method: clinical testing. Allele origin: germline. Affected: yes. Study: VKGL Data-share Consensus. Not counted in ClinVar's aggregate classification.

Genome Diagnostics Laboratory, University Medical Center Utrecht
Classification: Benign. Review status: no assertion criteria provided. Collection method: clinical testing. Allele origin: germline. Affected: yes. Study: VKGL Data-share Consensus. Not counted in ClinVar's aggregate classification.

NM_000393.5(COL5A2):c.2086-13_2086-12del

Gene: COL5A2 (collagen type V alpha 2 chain; minus strand). Cytogenetic location: 2q32.2.
Variant type: Deletion.
Coding change: c.2086-13_2086-12del on transcript NM_000393.5 (MANE Select); 13 bases into the intron before coding-DNA position 2086 through 12 bases into the intron before coding-DNA position 2086, 2 bases deleted (AA; older notation c.2086-13_2086-12delAA).
Molecular consequence: intron variant.
Genome position (GRCh38, 1-based): chr2:189,058,905-189,058,906, TT deleted on the plus strand (AA on the coding strand, the reverse complement: COL5A2 is on the minus strand); deleting any 2 consecutive bases within chr2:189,058,905-189,058,916 gives the same sequence; the c. name uses the placement nearest the transcript's 3' end. VCF-style (leftmost placement, unchanged base first): chr2-189058904-ATT-A. GRCh37 (hg19) VCF-style: chr2-189923630-ATT-A.
Other names: c.2086-13_2086-12delAA (NM_000393.3, NM_000393.5).
Identifiers: ClinVar variation 517024 (VCV000517024.13), dbSNP rs5837121, ClinGen allele CA2022448.